The following is an entry in ClinVar:

ClinVar aggregate classification (germline): Pathogenic (1 of 4 stars; one submission).

Conditions:
Cardiovascular phenotype. Identifiers: MedGen CN230736.

Submission:

Ambry Genetics
Classification: Pathogenic for Cardiovascular phenotype. Last evaluated: 2023-06-05. Review status: criteria provided, single submitter. Criteria: Ambry Variant Classification Scheme 2023. Collection method: clinical testing. Allele origin: germline.
Comment: The c.296_297delCC variant, located in coding exon 2 of the FHL1 gene, results from a deletion of two nucleotides at nucleotide positions 296 to 297, causing a translational frameshift with a predicted alternate stop codon (p.P99Qfs*31). This variant is considered to be rare based on population cohorts in the Genome Aggregation Database (gnomAD). This alteration is expected to result in loss of function by premature protein truncation or nonsense-mediated mRNA decay. Based on the supporting evidence, this variant is expected to be causative of FHL1-related myopathy with hypertrophy; however, its clinical significance for reducing body myopathy is unclear.

NM_001159699.2(FHL1):c.344_345del (p.Pro115fs)

Gene: FHL1 (four and a half LIM domains 1; plus strand). Cytogenetic location: Xq26.3.
Variant type: Deletion.
Coding change: c.344_345del on transcript NM_001159699.2 (MANE Select); coding-DNA positions 344 to 345, 2 bases deleted (CC; older notation c.344_345delCC).
Protein change: p.Pro115fs; shifts the reading frame from proline 115.
Molecular consequence: frameshift variant. On other transcripts: non-coding transcript variant (1).
Genome position (GRCh38, 1-based): chrX:136,207,155-136,207,156, CC deleted; deleting any 2 consecutive bases within chrX:136,207,152-136,207,156 gives the same sequence; the c. name uses the placement nearest the transcript's 3' end. VCF-style (leftmost placement, unchanged base first): chrX-136207151-TCC-T. GRCh37 (hg19) VCF-style: chrX-135289310-TCC-T.
Other names: c.296_297del, p.Pro99fs (NM_001159700.2, NM_001159702.3, NM_001159703.2 and 9 more transcripts); c.383_384del, p.Pro128fs (NM_001159701.2); c.344_345del, p.Pro115fs (NM_001330659.2); short protein forms P128fs, P115fs, P99fs.
Identifiers: ClinVar variation 2565497 (VCV002565497.2), dbSNP rs2521266207, ClinGen allele CA2580612493.
Genomic context (GRCh38, chrX:136,207,151, plus strand): 5'-GAGACCTTTGTGGCCAAGGACAACAAGATCCTGTGCAACAAGTGCACCACTCGGGAGGAC[TCC>T]CCCAAGTGCAAGGGGTGCTTCAAGGCCATTGTGGCAGGTACTGCCTCCTTCCCACCCCGG-3'